The following is an entry in ClinVar:

NM_000243.3(MEFV):c.2205A>G (p.Thr735=)

Gene: MEFV (MEFV innate immunity regulator, pyrin; minus strand). Cytogenetic location: 16p13.3.
Variant type: single nucleotide variant.
Coding change: c.2205A>G on transcript NM_000243.3 (MANE Select); coding-DNA position 2205, A replaced by G.
Protein change: p.Thr735=; no amino-acid change (threonine 735 retained).
Molecular consequence: synonymous variant. On other transcripts: 3 prime UTR variant (1).
Genome position (GRCh38, 1-based): chr16:3,243,282, T>C on the plus strand (A>G on the coding strand, the complement: MEFV is on the minus strand). VCF-style: chr16-3243282-T-C. GRCh37 (hg19) VCF-style: chr16-3293282-T-C.
Other names: c.*409A>G (NM_001198536.2).
Identifiers: ClinVar variation 870679 (VCV000870679.45), dbSNP rs375450800, ClinGen allele CA7859854.

ClinVar aggregate classification (germline): Likely benign. Review status: criteria provided, multiple submitters, no conflicts (2 of 4 stars). 2 submissions from 2 submitters: Likely benign (2). Last evaluated 2024-08-01.

Conditions:
Familial Mediterranean fever (FMF). Also called: Periodic peritonitis; Benign paroxysmal peritonitis; POLYSEROSITIS, FAMILIAL PAROXYSMAL; POLYSEROSITIS, RECURRENT. Identifiers: Orphanet 342, MedGen C0031069, MONDO:0018088, OMIM 249100. Disease mechanism: gain of function.

Allele frequency attached by ClinVar (database versions not stated): TOPMed below 0.00001; gnomAD 0.00001; gnomAD exomes 0.00001; ExAC 0.00002; ESP Exome Variant Server 0.00008.
gnomAD v4.1: 10 of 1,614,052 alleles (0.00062%); highest among the groups gnomAD compares: Non-Finnish European, 0.00085%; no homozygotes.

Submissions (2):

CeGaT Center for Human Genetics Tuebingen
Classification: Likely benign. Last evaluated: 2024-08-01. Review status: criteria provided, single submitter. Criteria: CeGaT Center For Human Genetics Tuebingen Variant Classification Criteria Version 2. Collection method: clinical testing. Allele origin: germline. Affected: yes. Observed: 3 variant alleles.
Comment: MEFV: BP4, BP7

Labcorp Genetics (formerly Invitae), Labcorp
Classification: Likely benign for Familial Mediterranean fever. Last evaluated: 2022-09-27. Review status: criteria provided, single submitter. Criteria: Invitae Variant Classification Sherloc (09022015). Collection method: clinical testing. Allele origin: germline.